The following is an entry in ClinVar:

NM_005896.4(IDH1):c.552T>A (p.Asn184Lys)

Gene: IDH1 (isocitrate dehydrogenase (NADP(+)) 1; minus strand). Cytogenetic location: 2q34.
Variant type: single nucleotide variant.
Coding change: c.552T>A on transcript NM_005896.4 (MANE Select); coding-DNA position 552, T replaced by A.
Protein change: p.Asn184Lys; replaces asparagine 184 with lysine.
Molecular consequence: missense variant.
Genome position (GRCh38, 1-based): chr2:208,243,573, A>T on the plus strand (T>A on the coding strand, the complement: IDH1 is on the minus strand). VCF-style: chr2-208243573-A-T. GRCh37 (hg19) VCF-style: chr2-209108297-A-T.
Other names: c.552T>A, p.Asn184Lys (NM_001282386.1, NM_001282387.1); short protein forms N184K.
Identifiers: ClinVar variation 1748137 (VCV001748137.2), dbSNP rs2469022273, ClinGen allele CA350099678.

ClinVar aggregate classification (germline): Uncertain significance (1 of 4 stars; one submission).

Submission:

Ambry Genetics
Classification: Uncertain significance. Last evaluated: 2021-12-29. Review status: criteria provided, single submitter. Criteria: Ambry Variant Classification Scheme 2023. Collection method: clinical testing. Allele origin: germline.
Comment: The p.N184K variant (also known as c.552T>A), located in coding exon 4 of the IDH1 gene, results from a T to A substitution at nucleotide position 552. The asparagine at codon 184 is replaced by lysine, an amino acid with similar properties. This amino acid position is conserved. In addition, the in silico prediction for this alteration is inconclusive. Since supporting evidence is limited at this time, the clinical significance of this alteration remains unclear.